The following is an entry in ClinVar:

ClinVar aggregate classification (germline): Pathogenic (1 of 4 stars; one submission).

Conditions:
Mitochondrial DNA depletion syndrome 1. Also called: Mitochondrial neurogastrointestinal encephalomyopathy syndrome; Mitochondrial DNA Depletion Syndrome, MNGIE Form; POLIP SYNDROME; POLYNEUROPATHY, OPHTHALMOPLEGIA, LEUKOENCEPHALOPATHY, AND INTESTINAL PSEUDOOBSTRUCTION; Mitochondrial DNA depletion syndrome 1 (MNGIE type); Mitochondrial Neurogastrointestinal Encephalopathy Disease. Identifiers: Orphanet 298, MedGen C4551995, MONDO:0011283, OMIM 603041.

Submission:

Myriad Genetics, Inc.
Classification: Pathogenic for Mitochondrial DNA depletion syndrome 1. Last evaluated: 2026-05-07. Review status: criteria provided, single submitter. Criteria: Myriad Autosomal Dominant, Autosomal Recessive and X-Linked Classification Criteria (2023). Collection method: clinical testing. Allele origin: unknown.
Comment: NM_001953.4(TYMP):c.151G>T(E51*) is a nonsense variant classified as pathogenic in the context of mitochondrial neurogastrointestinal encephalopathy disease. E51* has been observed in a case with relevant disease (PMID: 33210226). Relevant functional assessments of this variant are not available in the literature. E51* has not been observed in referenced population frequency databases. In summary, NM_001953.4(TYMP):c.151G>T(E51*) is a nonsense variant in a gene where loss of function is a known mechanism of disease, is predicted to disrupt protein function, and has been observed more frequently in cases with the relevant disease than in healthy populations. Please note: this variant was assessed in the context of healthy population screening.

Literature cited by the submitters: PubMed 33210226.

NM_001953.5(TYMP):c.151G>T (p.Glu51Ter)

Gene: TYMP (thymidine phosphorylase; minus strand). Cytogenetic location: 22q13.33.
Variant type: single nucleotide variant.
Coding change: c.151G>T on transcript NM_001953.5 (MANE Select); coding-DNA position 151, G replaced by T.
Protein change: p.Glu51Ter; replaces glutamic acid 51 with a stop codon.
Molecular consequence: nonsense.
Genome position (GRCh38, 1-based): chr22:50,529,559, C>A on the plus strand (G>T on the coding strand, the complement: TYMP is on the minus strand). VCF-style: chr22-50529559-C-A. GRCh37 (hg19) VCF-style: chr22-50967988-C-A.
Other names: c.151G>T, p.Glu51Ter (NM_001113755.3, NM_001113756.3, NM_001257988.1 and 1 more transcripts); short protein forms E51*.
Identifiers: ClinVar variation 5003471 (VCV005003471.1).